The following is an entry in ClinVar:

NM_006269.2(RP1):c.2352_2356del (p.Ile785fs)

Gene: RP1 (RP1 axonemal microtubule associated; plus strand). Cytogenetic location: 8q12.1.
Variant type: Microsatellite.
Coding change: c.2352_2356del on transcript NM_006269.2 (MANE Select); coding-DNA positions 2352 to 2356, 5 bases deleted (AATAA; older notation c.2352_2356delAATAA).
Protein change: p.Ile785fs; shifts the reading frame from isoleucine 785.
Molecular consequence: frameshift variant. On other transcripts: intron variant (1).
Genome position (GRCh38, 1-based): chr8:54,626,234-54,626,238, AATAA deleted; deleting any 5 consecutive bases within chr8:54,626,228-54,626,238 gives the same sequence; the c. name uses the placement nearest the transcript's 3' end. VCF-style (leftmost placement, unchanged base first): chr8-54626227-TAAATA-T. GRCh37 (hg19) VCF-style: chr8-55538787-TAAATA-T.
Other names: c.787+3946_787+3950del (NM_001375654.1); short protein forms I785fs.
Identifiers: ClinVar variation 1070812 (VCV001070812.11), dbSNP rs2129316571, ClinGen allele CA2580617158.

ClinVar aggregate classification (germline): Pathogenic. Review status: criteria provided, multiple submitters, no conflicts (2 of 4 stars). 2 submissions from 2 submitters: Pathogenic (2). Last evaluated 2023-11-27.

Submissions (2):

Labcorp Genetics (formerly Invitae), Labcorp
Classification: Pathogenic. Last evaluated: 2023-11-27. Review status: criteria provided, single submitter. Criteria: Invitae Variant Classification Sherloc (09022015). Collection method: clinical testing. Allele origin: germline.
Comment: This sequence change creates a premature translational stop signal (p.Ile785Leufs*5) in the RP1 gene. While this is not anticipated to result in nonsense mediated decay, it is expected to disrupt the last 1372 amino acid(s) of the RP1 protein. This variant is not present in population databases (gnomAD no frequency). This variant has not been reported in the literature in individuals affected with RP1-related conditions. This variant disrupts the C-terminus of the RP1 protein. Many variants that disrupt this region have been reported in individuals with either autosomal dominant or autosomal recessive retinitis pigmentosa (PMID: 11527933, 19933189, 29425069, 30027431, 33681214). Therefore, variants that disrupt this region are expected to be disease-causing. For these reasons, this variant has been classified as Pathogenic.

Institute of Medical Genetics and Applied Genomics, University Hospital Tübingen
Classification: Pathogenic. Last evaluated: 2021-09-15. Review status: criteria provided, single submitter. Criteria: ACMG Guidelines, 2015. Collection method: clinical testing. Allele origin: germline. Inheritance: Autosomal recessive inheritance. Affected: yes.

Literature cited by the submitters: PubMed 11527933 (cited by Labcorp Genetics (formerly Invitae), Labcorp); PubMed 19933189 (cited by Labcorp Genetics (formerly Invitae), Labcorp); PubMed 29425069 (cited by Labcorp Genetics (formerly Invitae), Labcorp); PubMed 30027431 (cited by Labcorp Genetics (formerly Invitae), Labcorp); PubMed 33681214 (cited by Labcorp Genetics (formerly Invitae), Labcorp).